The following is an entry in ClinVar:

NM_013372.7(GREM1):c.206C>A (p.Pro69His)

Gene: GREM1 (gremlin 1, DAN family BMP antagonist; plus strand). Cytogenetic location: 15q13.3.
Variant type: single nucleotide variant.
Coding change: c.206C>A on transcript NM_013372.7 (MANE Select); coding-DNA position 206, C replaced by A.
Protein change: p.Pro69His; replaces proline 69 with histidine.
Molecular consequence: missense variant. On other transcripts: intron variant (2).
Genome position (GRCh38, 1-based): chr15:32,730,896, C>A. VCF-style: chr15-32730896-C-A. GRCh37 (hg19) VCF-style: chr15-33023097-C-A.
Other names: c.206C>A, p.Pro69His (NM_001368719.1); c.115-32C>A (NM_001191323.2); c.28-32C>A (NM_001191322.2); short protein forms P69H.
Identifiers: ClinVar variation 4266798 (VCV004266798.1).

ClinVar aggregate classification (germline): Uncertain significance (1 of 4 stars; one submission).

Conditions:
Hereditary cancer-predisposing syndrome. Also called: Hereditary Cancer Syndrome; Hereditary neoplastic syndrome; Neoplastic Syndromes, Hereditary; Tumor predisposition. Identifiers: Orphanet 140162, MedGen C0027672, MeSH D009386, MONDO:0015356.

Submission:

Ambry Genetics
Classification: Uncertain significance for Hereditary cancer-predisposing syndrome. Last evaluated: 2025-08-12. Review status: criteria provided, single submitter. Criteria: Ambry Variant Classification Scheme 2023. Collection method: clinical testing. Allele origin: germline.
Comment: The p.P69H variant (also known as c.206C>A), located in coding exon 1 of the GREM1 gene, results from a C to A substitution at nucleotide position 206. The proline at codon 69 is replaced by histidine, an amino acid with similar properties. This amino acid position is conserved. In addition, the in silico prediction for this alteration is inconclusive. Based on the available evidence, the clinical significance of this variant remains unclear.